The following is an entry in ClinVar:

ClinVar aggregate classification (germline): Likely benign (1 of 4 stars; one submission).

Allele frequency attached by ClinVar (database versions not stated): gnomAD 0.00001; gnomAD exomes 0.00001.
gnomAD v4.1: 8 of 1,613,848 alleles (0.0005%); highest among the groups gnomAD compares: South Asian, 0.0077%; no homozygotes.

Submission:

CeGaT Center for Human Genetics Tuebingen
Classification: Likely benign. Last evaluated: 2022-07-01. Review status: criteria provided, single submitter. Criteria: CeGaT Center For Human Genetics Tuebingen Variant Classification Criteria Version 2. Collection method: clinical testing. Allele origin: germline. Affected: yes. Observed: 1 variant allele.
Comment: PPP1R13L: BP4, BP7

NM_006663.4(PPP1R13L):c.2319C>T (p.Phe773=)

Gene: PPP1R13L (protein phosphatase 1 regulatory subunit 13 like; minus strand). Cytogenetic location: 19q13.32.
Variant type: single nucleotide variant.
Coding change: c.2319C>T on transcript NM_006663.4 (MANE Select); coding-DNA position 2319, C replaced by T.
Protein change: p.Phe773=; no amino-acid change (phenylalanine 773 retained).
Molecular consequence: synonymous variant.
Genome position (GRCh38, 1-based): chr19:45,382,656, G>A on the plus strand (C>T on the coding strand, the complement: PPP1R13L is on the minus strand). VCF-style: chr19-45382656-G-A. GRCh37 (hg19) VCF-style: chr19-45885914-G-A.
Other names: c.2319C>T, p.Phe773= (NM_001142502.2).
Identifiers: ClinVar variation 2650106 (VCV002650106.24), dbSNP rs1348874791, ClinGen allele CA507822829.